The following is an entry in ClinVar:

ClinVar aggregate classification (germline): Likely pathogenic (1 of 4 stars; one submission).

Submission:

Athena Diagnostics
Classification: Likely pathogenic. Last evaluated: 2023-11-06. Review status: criteria provided, single submitter. Criteria: Athena Diagnostics Criteria. Collection method: clinical testing. Allele origin: unknown.
Comment: This variant has not been reported in large, multi-ethnic general populations. Computational tools predict that this variant is damaging.

NM_000548.5(TSC2):c.5012T>A (p.Val1671Glu)

Gene: TSC2 (TSC complex subunit 2; plus strand). Cytogenetic location: 16p13.3.
Variant type: single nucleotide variant.
Coding change: c.5012T>A on transcript NM_000548.5 (MANE Select); coding-DNA position 5012, T replaced by A.
Protein change: p.Val1671Glu; replaces valine 1671 with glutamic acid.
Molecular consequence: missense variant.
Genome position (GRCh38, 1-based): chr16:2,087,885, T>A. VCF-style: chr16-2087885-T-A. GRCh37 (hg19) VCF-style: chr16-2137886-T-A.
Other names: c.4811T>A, p.Val1604Glu (NM_001077183.3); c.4943T>A, p.Val1648Glu (NM_001114382.3); c.4703T>A, p.Val1568Glu (NM_001318827.2); c.4667T>A, p.Val1556Glu (NM_001318829.2); c.4280T>A, p.Val1427Glu (NM_001318831.2); c.4844T>A, p.Val1615Glu (NM_001318832.2); c.4814T>A, p.Val1605Glu (NM_001363528.2); c.4880T>A, p.Val1627Glu (NM_001370404.1); and 1 more; short protein forms V1427E, V1556E, V1568E, V1604E, V1605E, V1615E, V1627E, V1628E.
Identifiers: ClinVar variation 1256580 (VCV001256580.2), dbSNP rs2151611996, ClinGen allele CA394311167.